The following is an entry in ClinVar:

NM_033026.6(PCLO):c.11462G>A (p.Arg3821Gln)

Gene: PCLO (piccolo presynaptic cytomatrix protein; minus strand). Cytogenetic location: 7q21.11.
Variant type: single nucleotide variant.
Coding change: c.11462G>A on transcript NM_033026.6 (MANE Select); coding-DNA position 11462, G replaced by A.
Protein change: p.Arg3821Gln; replaces arginine 3821 with glutamine.
Molecular consequence: missense variant.
Genome position (GRCh38, 1-based): chr7:82,916,524, C>T on the plus strand (G>A on the coding strand, the complement: PCLO is on the minus strand). VCF-style: chr7-82916524-C-T. GRCh37 (hg19) VCF-style: chr7-82545840-C-T.
Other names: c.11462G>A, p.Arg3821Gln (NM_014510.3); short protein forms R3821Q.
Identifiers: ClinVar variation 1517276 (VCV001517276.5), dbSNP rs573558775, ClinGen allele CA4319561.

ClinVar aggregate classification (germline): Uncertain significance (1 of 4 stars; one submission).

Allele frequency attached by ClinVar (database versions not stated): TOPMed below 0.00001; ExAC 0.00001; gnomAD 0.00001; gnomAD exomes 0.00001; 1000 Genomes Project 30x 0.00016; 1000 Genomes Project 0.00020.
gnomAD v4.1: 15 of 1,613,642 alleles (0.00093%); highest among the groups gnomAD compares: South Asian, 0.0088%; no homozygotes.

Submission:

Labcorp Genetics (formerly Invitae), Labcorp
Classification: Uncertain significance. Last evaluated: 2021-08-31. Review status: criteria provided, single submitter. Criteria: Invitae Variant Classification Sherloc (09022015). Collection method: clinical testing. Allele origin: germline.
Comment: This sequence change replaces arginine with glutamine at codon 3821 of the PCLO protein (p.Arg3821Gln). The arginine residue is moderately conserved and there is a small physicochemical difference between arginine and glutamine. This variant is present in population databases (rs573558775, ExAC 0.006%). This variant has not been reported in the literature in individuals affected with PCLO-related conditions. Algorithms developed to predict the effect of missense changes on protein structure and function are either unavailable or do not agree on the potential impact of this missense change (SIFT: "Deleterious"; PolyPhen-2: "Not Available"; Align-GVGD: "Class C0"). In summary, the available evidence is currently insufficient to determine the role of this variant in disease. Therefore, it has been classified as a Variant of Uncertain Significance.